The following is an entry in ClinVar:

ClinVar aggregate classification (germline): Likely benign. Review status: criteria provided, multiple submitters, no conflicts (2 of 4 stars). 3 submissions from 3 submitters: Likely benign (3). Last evaluated 2025-03-06.

Conditions:
Joubert syndrome. Also called: JOUBERT-BOLTSHAUSER SYNDROME; Familial aplasia of the vermis. Identifiers: Orphanet 475, MedGen C5979921, MONDO:0018772.
Meckel-Gruber syndrome. Also called: GRUBER SYNDROME; DYSENCEPHALIA SPLANCHNOCYSTICA; Dysencephalia splachnocystica. Identifiers: Orphanet 564, MedGen C0265215, MONDO:0018921.
TMEM67-related disorder. Also called: TMEM67-related disorders; TMEM67-related condition. Identifiers: MedGen CN239423.

Allele frequency attached by ClinVar (database versions not stated): ExAC 0.00001; gnomAD exomes 0.00001; gnomAD 0.00003 and 0.00004; TOPMed 0.00005; ESP Exome Variant Server 0.00015.
gnomAD v4.1: 12 of 1,598,622 alleles (0.00075%); highest among the groups gnomAD compares: African/African-American, 0.016%; no homozygotes.

Submissions (3):

Labcorp Genetics (formerly Invitae), Labcorp
Classification: Likely benign for Joubert syndrome; Meckel-Gruber syndrome. Last evaluated: 2025-03-06. Review status: criteria provided, single submitter. Criteria: Invitae Variant Classification Sherloc (09022015). Collection method: clinical testing. Allele origin: germline.

PreventionGenetics, part of Exact Sciences
Classification: Likely benign for TMEM67-related condition. Last evaluated: 2024-12-12. Review status: criteria provided, single submitter. Criteria: ACMG Guidelines, 2015. Collection method: clinical testing. Allele origin: germline.
Comment: This variant is classified as likely benign based on ACMG/AMP sequence variant interpretation guidelines (Richards et al. 2015 PMID: 25741868, with internal and published modifications).

Blueprint Genetics
Classification: Likely benign. Last evaluated: 2022-05-06. Review status: criteria provided, single submitter. Criteria: ACMG Guidelines, 2015. Collection method: clinical testing. Allele origin: germline.

NM_153704.6(TMEM67):c.1773+10T>C

Gene: TMEM67 (transmembrane protein 67; plus strand). Cytogenetic location: 8q22.1.
Variant type: single nucleotide variant.
Coding change: c.1773+10T>C on transcript NM_153704.6 (MANE Select); 10 bases into the intron after coding-DNA position 1773, T replaced by C.
Molecular consequence: intron variant.
Genome position (GRCh38, 1-based): chr8:93,795,517, T>C. VCF-style: chr8-93795517-T-C. GRCh37 (hg19) VCF-style: chr8-94807745-T-C.
Other names: c.1773+10T>C (NM_153704.5); c.1530+10T>C (NM_001142301.1).
Identifiers: ClinVar variation 1615423 (VCV001615423.10), dbSNP rs371485093, ClinGen allele CA4808069.